The following is an entry in ClinVar:

ClinVar aggregate classification (germline): Uncertain significance. Review status: criteria provided, multiple submitters, no conflicts (2 of 4 stars). 3 submissions from 3 submitters: Uncertain significance (3). Last evaluated 2024-12-12.

Conditions:
VPS13B-related disorder. Also called: VPS13B-related condition.
Cohen syndrome (COH1). Also called: PEPPER SYNDROME; Cutis verticis gyrata, retinitis pigmentosa, and sensorineural deafness. Identifiers: Orphanet 193, MedGen C0265223, MONDO:0008999, OMIM 216550.

Submissions (3):

PreventionGenetics, part of Exact Sciences
Classification: Uncertain significance for VPS13B-related condition. Last evaluated: 2024-12-12. Review status: criteria provided, single submitter. Criteria: ACMG Guidelines, 2015. Collection method: clinical testing. Allele origin: germline.
Comment: The VPS13B c.11831C>A variant is predicted to result in the amino acid substitution p.Pro3944His. To our knowledge, this variant has not been reported in the literature or in a large population database (gnomAD), indicating this variant is rare. At this time, the clinical significance of this variant is uncertain due to the absence of conclusive functional and genetic evidence.

Labcorp Genetics (formerly Invitae), Labcorp
Classification: Uncertain significance for Cohen syndrome. Last evaluated: 2022-08-12. Review status: criteria provided, single submitter. Criteria: Invitae Variant Classification Sherloc (09022015). Collection method: clinical testing. Allele origin: germline.
Comment: This sequence change replaces proline, which is neutral and non-polar, with histidine, which is basic and polar, at codon 3969 of the VPS13B protein (p.Pro3969His). This variant is not present in population databases (gnomAD no frequency). This variant has not been reported in the literature in individuals affected with VPS13B-related conditions. ClinVar contains an entry for this variant (Variation ID: 437248). Algorithms developed to predict the effect of missense changes on protein structure and function are either unavailable or do not agree on the potential impact of this missense change (SIFT: "Not Available"; PolyPhen-2: "Possibly Damaging"; Align-GVGD: "Not Available"). In summary, the available evidence is currently insufficient to determine the role of this variant in disease. Therefore, it has been classified as a Variant of Uncertain Significance.

Genetic Services Laboratory, University of Chicago
Classification: Uncertain significance. Last evaluated: 2017-03-17. Review status: criteria provided, single submitter. Criteria: ACMG Guidelines, 2015. Collection method: clinical testing. Allele origin: germline. Affected: no.

NM_152564.5(VPS13B):c.11831C>A (p.Pro3944His)

Gene: VPS13B (vacuolar protein sorting 13 homolog B; plus strand). Cytogenetic location: 8q22.2.
Variant type: single nucleotide variant.
Coding change: c.11831C>A on transcript NM_152564.5 (MANE Select); coding-DNA position 11831, C replaced by A.
Protein change: p.Pro3944His; replaces proline 3944 with histidine.
Molecular consequence: missense variant.
Genome position (GRCh38, 1-based): chr8:99,875,503, C>A. VCF-style: chr8-99875503-C-A. GRCh37 (hg19) VCF-style: chr8-100887731-C-A.
Other names: c.11906C>A, p.Pro3969His (NM_017890.5); c.11831C>A (NM_152564.4); short protein forms P3944H, P3969H.
Identifiers: ClinVar variation 437248 (VCV000437248.8), dbSNP rs1010334738, ClinGen allele CA371795664.